The following is an entry in ClinVar:

ClinVar aggregate classification (germline): Uncertain significance (1 of 4 stars; one submission).

Allele frequency attached by ClinVar (database versions not stated): gnomAD exomes 0.00001.
gnomAD v4.1: 2 of 1,185,364 alleles (0.00017%); highest among the groups gnomAD compares: Admixed American, 0.0041%; no homozygotes.

Submission:

Ambry Genetics
Classification: Uncertain significance. Last evaluated: 2023-11-15. Review status: criteria provided, single submitter. Criteria: Ambry Variant Classification Scheme 2023. Collection method: clinical testing. Allele origin: germline.
Comment: The p.C10Y variant (also known as c.29G>A), located in coding exon 1 of the GALNT12 gene, results from a G to A substitution at nucleotide position 29. The cysteine at codon 10 is replaced by tyrosine, an amino acid with highly dissimilar properties. This amino acid position is conserved. In addition, this alteration is predicted to be tolerated by in silico analysis. Since supporting evidence is limited at this time, the clinical significance of this alteration remains unclear.

NM_024642.5(GALNT12):c.29G>A (p.Cys10Tyr)

Gene: GALNT12 (polypeptide N-acetylgalactosaminyltransferase 12; plus strand). Cytogenetic location: 9q22.33.
Variant type: single nucleotide variant.
Coding change: c.29G>A on transcript NM_024642.5 (MANE Select); coding-DNA position 29, G replaced by A.
Protein change: p.Cys10Tyr; replaces cysteine 10 with tyrosine.
Molecular consequence: missense variant.
Genome position (GRCh38, 1-based): chr9:98,807,727, G>A. VCF-style: chr9-98807727-G-A. GRCh37 (hg19) VCF-style: chr9-101570009-G-A.
Other names: short protein forms C10Y.
Identifiers: ClinVar variation 3227942 (VCV003227942.1), dbSNP rs2118254983, ClinGen allele CA374222055.
Genomic context (GRCh38, chr9:98,807,727, plus strand): 5'-CGCGCAGATCGCTGGCTGCAGTTGGCGGGCGCATGTGGGGGCGCACGGCGCGGCGGCGCT[G>A]CCCGCGGGAACTGCGGCGCGGCCGGGAGGCGCTGTTGGTGCTCCTGGCGCTACTGGCGTT-3'
Protein context (NP_078918.3, residues 1-20): MWGRTARRR[Cys10Tyr]PRELRRGREA